The following is an entry in ClinVar:

ClinVar aggregate classification (germline): Uncertain significance (1 of 4 stars; one submission).

Conditions:
Autosomal recessive limb-girdle muscular dystrophy type 2L (LGMDR12). Also called: Limb-girdle muscular dystrophy, type 2L; MUSCULAR DYSTROPHY, LIMB-GIRDLE, AUTOSOMAL RECESSIVE 12; Limb-Girdle Muscular Dystrophy R12 Anoctamin-5-Related (LGMD-R12). Identifiers: Orphanet 206549, MedGen C1969785, MONDO:0012652, OMIM 611307.
Gnathodiaphyseal dysplasia (GDD). Also called: GNATHODIAPHYSEAL SCLEROSIS; OSTEOGENESIS IMPERFECTA WITH UNUSUAL SKELETAL LESIONS. Identifiers: Orphanet 53697, MedGen C1833736, MONDO:0008151, OMIM 166260.

Submission:

Labcorp Genetics (formerly Invitae), Labcorp
Classification: Uncertain significance for Autosomal recessive limb-girdle muscular dystrophy type 2L; Gnathodiaphyseal dysplasia. Last evaluated: 2023-08-11. Review status: criteria provided, single submitter. Criteria: Invitae Variant Classification Sherloc (09022015). Collection method: clinical testing. Allele origin: unknown.
Comment: In summary, the available evidence is currently insufficient to determine the role of this variant in disease. Therefore, it has been classified as a Variant of Uncertain Significance. A copy number gain of the genomic region encompassing the full coding sequence of the ANO5 gene has been identified. The boundaries of this event are unknown as they extend beyond the assayed region for this gene and therefore may encompass additional genes. As the precise location of this event is unknown, it may be in tandem or it may be located elsewhere in the genome. This variant has not been reported in the literature in individuals affected with ANO5-related conditions.

NC_000011.9:g.(?_22215039)_(22647356_?)dup

Genes: ANO5 (anoctamin 5; plus strand), FANCF (FA complementation group F; minus strand), SLC17A6 (solute carrier family 17 member 6; plus strand). Cytogenetic location: 11p14.3.
Variant type: Duplication.
Identifiers: ClinVar variation 3244653 (VCV003244653.1).